The following is an entry in ClinVar:

NM_000092.5(COL4A4):c.1063C>G (p.Pro355Ala)

Gene: COL4A4 (collagen type IV alpha 4 chain; minus strand). Cytogenetic location: 2q36.3.
Variant type: single nucleotide variant.
Coding change: c.1063C>G on transcript NM_000092.5 (MANE Select); coding-DNA position 1063, C replaced by G.
Protein change: p.Pro355Ala; replaces proline 355 with alanine.
Molecular consequence: missense variant.
Genome position (GRCh38, 1-based): chr2:227,099,656, G>C on the plus strand (C>G on the coding strand, the complement: COL4A4 is on the minus strand). VCF-style: chr2-227099656-G-C. GRCh37 (hg19) VCF-style: chr2-227964372-G-C.
Other names: short protein forms P355A.
Identifiers: ClinVar variation 3252629 (VCV003252629.1), dbSNP rs368293426.

ClinVar aggregate classification (germline): Uncertain significance (1 of 4 stars; one submission).

Allele frequency attached by ClinVar (database versions not stated): ExAC 0.00002; gnomAD 0.00002; TOPMed 0.00004; gnomAD exomes 0.00009; ESP Exome Variant Server 0.00017.
gnomAD v4.1: 133 of 1,614,026 alleles (0.0082%); highest among the groups gnomAD compares: Non-Finnish European, 0.011%; no homozygotes.

Submission:

GeneDx
Classification: Uncertain significance. Last evaluated: 2023-07-20. Review status: criteria provided, single submitter. Criteria: GeneDx Variant Classification Process June 2021. Collection method: clinical testing. Allele origin: germline. Affected: yes.
Comment: Reported in the heterozygous state in a patient with keratoconus in published literature (Lucas et al., 2018); Not observed at significant frequency in large population cohorts (gnomAD); In silico analysis supports that this missense variant has a deleterious effect on protein structure/function; Occurs in the triple helical domain at the Y position in the canonical Gly-X-Y repeat; although this variant may have an effect on normal protein folding and function, missense substitution at the Y position is not a common mechanism of disease; This variant is associated with the following publications: (PMID: 29924831)